The following is an entry in ClinVar:

NM_004364.5(CEBPA):c.379C>A (p.Pro127Thr)

Gene: CEBPA (CCAAT enhancer binding protein alpha; minus strand). Cytogenetic location: 19q13.11.
Variant type: single nucleotide variant.
Coding change: c.379C>A on transcript NM_004364.5 (MANE Select); coding-DNA position 379, C replaced by A.
Protein change: p.Pro127Thr; replaces proline 127 with threonine.
Molecular consequence: missense variant.
Genome position (GRCh38, 1-based): chr19:33,302,036, G>T on the plus strand (C>A on the coding strand, the complement: CEBPA is on the minus strand). VCF-style: chr19-33302036-G-T. GRCh37 (hg19) VCF-style: chr19-33792942-G-T.
Other names: c.22C>A, p.Pro8Thr (NM_001285829.2); c.484C>A, p.Pro162Thr (NM_001287424.2); c.337C>A, p.Pro113Thr (NM_001287435.2); short protein forms P127T, P8T, P113T, P162T.
Identifiers: ClinVar variation 3643815 (VCV003643815.2).
Genomic context (GRCh38, chr19:33,302,036, plus strand): 5'-ACAGGGGCTCCAGCCTGCCGTCCAGGTAGCCGGCGGCCGCGCAGCCGTAGCCGGGCGGGG[G>T]CCCGTGCGCTCCCCCGGGCATGACGGCGCCGCCGGGGCCCGCGGGCGCGCCCGGGTAGTC-3'
Protein context (NP_004355.2, residues 117-137): GAVMPGGAHG[Pro127Thr]PPGYGCAAAG

ClinVar aggregate classification (germline): Uncertain significance (1 of 4 stars; one submission).

Conditions:
Acute myeloid leukemia (AML). Also called: Acute myeloid leukemia, adult; AML adult; Acute non-lymphocytic leukemia; Acute granulocytic leukemia; Leukemia, acute myeloid, somatic; Leukemia, acute myelogenous, somatic. Identifiers: Orphanet 519, MedGen C0023467, MeSH D015470, MONDO:0018874, OMIM 601626, HP:0004808. Disease mechanism: Constitutively activated FLT3.

Submission:

Labcorp Genetics (formerly Invitae), Labcorp
Classification: Uncertain significance for Acute myeloid leukemia. Last evaluated: 2024-09-11. Review status: criteria provided, single submitter. Criteria: Invitae Variant Classification Sherloc (09022015). Collection method: clinical testing. Allele origin: germline.
Comment: This sequence change replaces proline, which is neutral and non-polar, with threonine, which is neutral and polar, at codon 127 of the CEBPA protein (p.Pro127Thr). The frequency data for this variant in the population databases is considered unreliable, as metrics indicate insufficient coverage at this position in the gnomAD database. This variant has not been reported in the literature in individuals affected with CEBPA-related conditions. Invitae Evidence Modeling of protein sequence and biophysical properties (such as structural, functional, and spatial information, amino acid conservation, physicochemical variation, residue mobility, and thermodynamic stability) indicates that this missense variant is not expected to disrupt CEBPA protein function with a negative predictive value of 80%. In summary, the available evidence is currently insufficient to determine the role of this variant in disease. Therefore, it has been classified as a Variant of Uncertain Significance.